The following is an entry in ClinVar:

NM_001375808.2(LPIN2):c.*850G>A

Gene: LPIN2 (lipin 2; minus strand). Cytogenetic location: 18p11.31.
Variant type: single nucleotide variant.
Coding change: c.*850G>A on transcript NM_001375808.2 (MANE Select); 850 bases downstream of the stop codon, G replaced by A.
Molecular consequence: 3 prime UTR variant.
Genome position (GRCh38, 1-based): chr18:2,919,443, C>T on the plus strand (G>A on the coding strand, the complement: LPIN2 is on the minus strand). VCF-style: chr18-2919443-C-T. GRCh37 (hg19) VCF-style: chr18-2919441-C-T.
Other names: c.*850G>A (NM_001375809.1, NM_014646.2).
Identifiers: ClinVar variation 891033 (VCV000891033.4), dbSNP rs73375250, ClinGen allele CA295493210.

ClinVar aggregate classification (germline): Likely benign (1 of 4 stars; one submission).

Conditions:
Majeed syndrome (MJDS). Also called: CHRONIC RECURRENT MULTIFOCAL OSTEOMYELITIS 1, WITH CONGENITAL DYSERYTHROPOIETIC ANEMIA, WITH OR WITHOUT NEUTROPHILIC DERMATOSIS; LPIN2-Related Majeed Syndrome. Identifiers: Orphanet 77297, MedGen C1864997, MONDO:0012316, OMIM 609628.

Allele frequency attached by ClinVar (database versions not stated): TOPMed 0.00099; 1000 Genomes Project 0.00100; gnomAD 0.00104 and 0.00106; 1000 Genomes Project 30x 0.00187.

Submission:

Illumina Laboratory Services, Illumina
Classification: Likely benign for Majeed syndrome. Last evaluated: 2018-01-13. Review status: criteria provided, single submitter. Criteria: ICSL Variant Classification Criteria 13 December 2019. Collection method: clinical testing. Allele origin: germline.
Comment: This variant was observed in the ICSL laboratory as part of a predisposition screen in an ostensibly healthy population. It had not been previously curated by ICSL or reported in the Human Gene Mutation Database (HGMD: prior to June 1st, 2018), and was therefore a candidate for classification through an automated scoring system. Utilizing variant allele frequency, disease prevalence and penetrance estimates, and inheritance mode, an automated score was calculated to assess if this variant is too frequent to cause the disease. Based on the score and internal cut-off values, a variant classified as likely benign is not then subjected to further curation. The score for this variant resulted in a classification of likely benign for this disease.